The following is an entry in ClinVar:

NM_022436.3(ABCG5):c.575del (p.Gly192fs)

Genes: ABCG5 (ATP binding cassette subfamily G member 5; minus strand), DYNC2LI1 (dynein cytoplasmic 2 light intermediate chain 1; plus strand). Cytogenetic location: 2p21.
Variant type: Deletion.
Coding change: c.575del on transcript NM_022436.3 (MANE Select); coding-DNA position 575, one base deleted (G; older notation c.575delG).
Protein change: p.Gly192fs; shifts the reading frame from glycine 192.
Molecular consequence: frameshift variant. On other transcripts: 3 prime UTR variant (2).
Genome position (GRCh38, 1-based): chr2:43,828,042, C deleted on the plus strand (G on the coding strand, the reverse complement: ABCG5 is on the minus strand); the first of 6 consecutive C bases (chr2:43,828,042-43,828,047); deleting any one gives the same sequence. VCF-style (leftmost placement, unchanged base first): chr2-43828041-GC-G. GRCh37 (hg19) VCF-style: chr2-44055180-GC-G.
Other names: p.Gly192Alafs*35; c.*677del (NM_001348912.2, NM_001348913.2); short protein forms G192fs.
Identifiers: ClinVar variation 817282 (VCV000817282.9), dbSNP rs762031825, ClinGen allele CA1636604.
Genomic context (GRCh38, chr2:43,828,041, plus strand): 5'-ACTAGGATCCTGGAGCAGCTGGGCTGCGATGGAGACCCGGCGCCGCTCACCCGTGGAAAT[GC>G]CCCCCAAGCTGTAGTTGCCAATCAGTCGGTCTGCCACATGGCTCAGACTCAGCTCTGCCA-3'

ClinVar aggregate classification (germline): Pathogenic/Likely pathogenic. Review status: criteria provided, multiple submitters, no conflicts (2 of 4 stars). 6 submissions from 6 submitters: Pathogenic (2); Likely pathogenic (3). 1 of the submissions does not count toward it. Last evaluated 2025-12-03.

Conditions:
Sitosterolemia 1. Identifiers: MedGen C2749759, MONDO:0020747, OMIM 210250.
Cardiovascular phenotype. Identifiers: MedGen CN230736.
Sitosterolemia (STSL). Also called: PHYTOSTEROLEMIA. Identifiers: Orphanet 2882, MedGen C0342907, MONDO:0008863.

Submissions (6):

Mayo Clinic Laboratories, Mayo Clinic
Classification: Likely pathogenic. Last evaluated: 2025-12-03. Review status: criteria provided, single submitter. Criteria: ACMG Guidelines, 2015. Collection method: clinical testing. Allele origin: germline. Observed: 1 variant allele.
Comment: PM2_supporting, PVS1

Labcorp Genetics (formerly Invitae), Labcorp
Classification: Pathogenic for Sitosterolemia. Last evaluated: 2023-12-01. Review status: criteria provided, single submitter. Criteria: Invitae Variant Classification Sherloc (09022015). Collection method: clinical testing. Allele origin: germline.
Comment: This sequence change creates a premature translational stop signal (p.Gly192Alafs*35) in the ABCG5 gene. It is expected to result in an absent or disrupted protein product. Loss-of-function variants in ABCG5 are known to be pathogenic (PMID: 11138003, 25665839). The frequency data for this variant in the population databases is considered unreliable, as metrics indicate poor data quality at this position in the gnomAD database. This variant has not been reported in the literature in individuals affected with ABCG5-related conditions. ClinVar contains an entry for this variant (Variation ID: 817282). For these reasons, this variant has been classified as Pathogenic.

AiLife Diagnostics
Classification: Likely pathogenic. Last evaluated: 2021-09-29. Review status: criteria provided, single submitter. Criteria: ACMG Guidelines, 2015. Collection method: clinical testing. Allele origin: germline. Affected: yes. Observed: 1 variant allele.

Ambry Genetics
Classification: Pathogenic for Cardiovascular phenotype. Last evaluated: 2020-11-02. Review status: criteria provided, single submitter. Criteria: Ambry Variant Classification Scheme 2023. Collection method: clinical testing. Allele origin: germline.
Comment: The c.575delG pathogenic mutation, located in coding exon 5 of the ABCG5 gene, results from a deletion of one nucleotide at nucleotide position 575, causing a translational frameshift with a predicted alternate stop codon (p.G192Afs*35). This alteration is expected to result in loss of function by premature protein truncation or nonsense-mediated mRNA decay. As such, this alteration is interpreted as a disease-causing mutation.

GeneDx
Classification: Likely pathogenic. Last evaluated: 2018-10-18. Review status: criteria provided, single submitter. Criteria: GeneDx Variant Classification (06012015). Collection method: clinical testing. Allele origin: germline. Affected: yes.
Comment: Although the c.575delG likely pathogenic variant in the ABCG5 gene has not been reported to our knowledge, this variant causes a shift in reading frame starting at codon glycine 192, changing it to an alanine, and creating a premature stop codon at position 35 of the new reading frame, denoted p.Gly192AlafsX35. This likely pathogenic variant is expected to result in either an abnormal, truncated protein product or loss of protein from this allele through nonsense-mediated mRNA decay. Other frameshift variants in the ABCG5 gene have been reported in Human Gene Mutation Database in association with sitosterolemia (Stenson et al., 2014). Furthermore, the c.575delG variant has not been observed in large population cohorts (Lek et al., 2016).

ISTH-SSC Genomics in Thrombosis and Hemostasis, KU Leuven, Center for Molecular and Vascular Biology
Classification: Pathogenic for Sitosterolemia 1. Review status: no assertion criteria provided. Collection method: research. Allele origin: unknown. Affected: yes. Not counted in ClinVar's aggregate classification.
Comment: Submitted to GoldVariant by Dr Karyn Mégy from NIHR Bioresource - Cambridge University, UK

Literature cited by the submitters: PubMed 32041611 (cited by Mayo Clinic Laboratories, Mayo Clinic and AiLife Diagnostics); PubMed 32862661 (cited by Mayo Clinic Laboratories, Mayo Clinic); PubMed 38828125 (cited by Mayo Clinic Laboratories, Mayo Clinic); PubMed 11138003 (cited by Labcorp Genetics (formerly Invitae), Labcorp); PubMed 25665839 (cited by Labcorp Genetics (formerly Invitae), Labcorp).